The following is an entry in ClinVar:

NM_001136271.3(NKX2-6):c.878C>A (p.Ala293Asp)

Gene: NKX2-6 (NK2 homeobox 6; minus strand). Cytogenetic location: 8p21.2.
Variant type: single nucleotide variant.
Coding change: c.878C>A on transcript NM_001136271.3 (MANE Select); coding-DNA position 878, C replaced by A.
Protein change: p.Ala293Asp; replaces alanine 293 with aspartic acid.
Molecular consequence: missense variant.
Genome position (GRCh38, 1-based): chr8:23,702,479, G>T on the plus strand (C>A on the coding strand, the complement: NKX2-6 is on the minus strand). VCF-style: chr8-23702479-G-T. GRCh37 (hg19) VCF-style: chr8-23559992-G-T.
Other names: short protein forms A293D.
Identifiers: ClinVar variation 2635716 (VCV002635716.1), dbSNP rs747170367, ClinGen allele CA4677941.

ClinVar aggregate classification (germline): Uncertain significance (1 of 4 stars; one submission).

Conditions:
NKX2-6-related disorder. Also called: NKX2-6-related condition.

Allele frequency attached by ClinVar (database versions not stated): gnomAD 0.00001; TOPMed 0.00001; ExAC 0.00019.

Submission:

PreventionGenetics, part of Exact Sciences
Classification: Uncertain significance for NKX2-6-related condition. Last evaluated: 2023-04-29. Review status: criteria provided, single submitter. Criteria: ACMG Guidelines, 2015. Collection method: clinical testing. Allele origin: germline.
Comment: The NKX2-6 c.878C>A variant is predicted to result in the amino acid substitution p.Ala293Asp. To our knowledge, this variant has not been reported in the literature. This variant is reported in 0.0022% of alleles in individuals of European (Non-Finnish) descent in gnomAD. At this time, the clinical significance of this variant is uncertain due to the absence of conclusive functional and genetic evidence.